The following is an entry in ClinVar:

ClinVar aggregate classification (germline): Uncertain significance (1 of 4 stars; one submission).

gnomAD v4.1: 3 of 1,613,122 alleles (0.00019%); highest among the groups gnomAD compares: Admixed American, 0.0033%; no homozygotes.

Submission:

Labcorp Genetics (formerly Invitae), Labcorp
Classification: Uncertain significance. Last evaluated: 2025-11-17. Review status: criteria provided, single submitter. Criteria: Invitae Variant Classification Sherloc (09022015). Collection method: clinical testing. Allele origin: germline.
Comment: This sequence change replaces serine, which is neutral and polar, with phenylalanine, which is neutral and non-polar, at codon 406 of the ITPR1 protein (p.Ser406Phe). This variant is present in population databases (rs764260001, gnomAD 0.003%). This variant has not been reported in the literature in individuals affected with ITPR1-related conditions. Invitae Evidence Modeling of protein sequence and biophysical properties (such as structural, functional, and spatial information, amino acid conservation, physicochemical variation, residue mobility, and thermodynamic stability) indicates that this missense variant is not expected to disrupt ITPR1 protein function with a negative predictive value of 95%. In summary, the available evidence is currently insufficient to determine the role of this variant in disease. Therefore, it has been classified as a Variant of Uncertain Significance.

NM_001378452.1(ITPR1):c.1262C>T (p.Ser421Phe)

Gene: ITPR1 (inositol 1,4,5-trisphosphate receptor type 1; plus strand). Cytogenetic location: 3p26.1.
Variant type: single nucleotide variant.
Coding change: c.1262C>T on transcript NM_001378452.1 (MANE Select); coding-DNA position 1262, C replaced by T.
Protein change: p.Ser421Phe; replaces serine 421 with phenylalanine.
Molecular consequence: missense variant.
Genome position (GRCh38, 1-based): chr3:4,662,092, C>T. VCF-style: chr3-4662092-C-T. GRCh37 (hg19) VCF-style: chr3-4703776-C-T.
Other names: c.1262C>T, p.Ser421Phe (NM_001099952.4); c.1217C>T, p.Ser406Phe (NM_001168272.2, NM_002222.7); short protein forms S406F, S421F.
Identifiers: ClinVar variation 4808818 (VCV004808818.1).
Genomic context (GRCh38, chr3:4,662,092, plus strand): 5'-TATCCTTCCCATCCAAGAGATTATCTCACAAGGACCACCTTGAATTTCAGATTGGCACCT[C>T]TCCTGTGAAGGAGGATAAGGAAGCATTTGCCATAGTTCCGGTTTCTCCTGCTGAAGTTCG-3'
Protein context (NP_001365381.1, residues 411-431): EKPVMLKIGT[Ser421Phe]PVKEDKEAFA